The following is an entry in ClinVar:

NM_144999.4(LRRC45):c.661+9_661+22del

Gene: LRRC45 (leucine rich repeat containing 45; plus strand). Cytogenetic location: 17q25.3.
Variant type: Deletion.
Coding change: c.661+9_661+22del on transcript NM_144999.4 (MANE Select); bases 9 to 22 of the intron after coding-DNA position 661, 14 bases deleted (CAGGGCTGTGTGGA).
Molecular consequence: intron variant.
Genome position (GRCh38, 1-based): chr17:82,025,516-82,025,529, CAGGGCTGTGTGGA deleted. VCF-style (leftmost placement, unchanged base first): chr17-82025515-GCAGGGCTGTGTGGA-G. GRCh37 (hg19) VCF-style: chr17-79983391-GCAGGGCTGTGTGGA-G.
Identifiers: ClinVar variation 4990731 (VCV004990731.1).

ClinVar aggregate classification (germline): Likely benign (1 of 4 stars; one submission).

Conditions:
LRRC45-related disorder. Also called: LRRC45-related condition.

Submission:

PreventionGenetics, part of Exact Sciences
Classification: Likely benign for LRRC45-related condition. Last evaluated: 2026-02-10. Review status: criteria provided, single submitter. Criteria: ACMG Guidelines, 2015. Collection method: clinical testing. Allele origin: germline.
Comment: This variant is classified as likely benign based on ACMG/AMP sequence variant interpretation guidelines (Richards et al. 2015 PMID: 25741868, with internal and published modifications).